The following is an entry in ClinVar:

NM_000441.2(SLC26A4):c.368dup (p.Ile124fs)

Gene: SLC26A4 (solute carrier family 26 member 4; plus strand). Cytogenetic location: 7q22.3.
Variant type: Duplication.
Coding change: c.368dup on transcript NM_000441.2 (MANE Select); coding-DNA position 368, one base duplicated (C; older notation c.368dupC).
Protein change: p.Ile124fs; shifts the reading frame from isoleucine 124.
Molecular consequence: frameshift variant.
Genome position (GRCh38, 1-based): chr7:107,672,201, C duplicated; the last of 3 consecutive C bases (chr7:107,672,199-107,672,201); duplicating any one gives the same sequence. VCF-style (leftmost placement, unchanged base first): chr7-107672198-T-TC. GRCh37 (hg19) VCF-style: chr7-107312643-T-TC.
Other names: short protein forms I124fs.
Identifiers: ClinVar variation 4735838 (VCV004735838.1).

ClinVar aggregate classification (germline): Pathogenic (1 of 4 stars; one submission).

Submission:

Labcorp Genetics (formerly Invitae), Labcorp
Classification: Pathogenic. Last evaluated: 2026-01-20. Review status: criteria provided, single submitter. Criteria: Invitae Variant Classification Sherloc (09022015). Collection method: clinical testing. Allele origin: germline.
Comment: This sequence change creates a premature translational stop signal (p.Ile124Tyrfs*58) in the SLC26A4 gene. It is expected to result in an absent or disrupted protein product. Loss-of-function variants in SLC26A4 are known to be pathogenic (PMID: 16283880, 25394566, 26252218, 26445815). This variant is not present in population databases (gnomAD no frequency). This variant has not been reported in the literature in individuals affected with SLC26A4-related conditions. For these reasons, this variant has been classified as Pathogenic.

Literature cited by the submitters: PubMed 16283880; PubMed 25394566; PubMed 26252218; PubMed 26445815.